The following is an entry in ClinVar:

NM_014425.5(INVS):c.1321A>C (p.Ile441Leu)

Gene: INVS (inversin; plus strand). Cytogenetic location: 9q31.1.
Variant type: single nucleotide variant.
Coding change: c.1321A>C on transcript NM_014425.5 (MANE Select); coding-DNA position 1321, A replaced by C.
Protein change: p.Ile441Leu; replaces isoleucine 441 with leucine.
Molecular consequence: missense variant. On other transcripts: non-coding transcript variant (1).
Genome position (GRCh38, 1-based): chr9:100,252,993, A>C. VCF-style: chr9-100252993-A-C. GRCh37 (hg19) VCF-style: chr9-103015275-A-C.
Other names: c.1033A>C, p.Ile345Leu (NM_001318381.2); c.343A>C, p.Ile115Leu (NM_001318382.2); short protein forms I115L, I345L, I441L.
Identifiers: ClinVar variation 1010629 (VCV001010629.8), dbSNP rs1832286801, ClinGen allele CA374364784.

ClinVar aggregate classification (germline): Uncertain significance (1 of 4 stars; one submission).

Conditions:
Nephronophthisis. Also called: Juvenile Nephronophthisis. Identifiers: Orphanet 655, MedGen C0687120, MONDO:0019005, HP:0000090.

Submission:

Labcorp Genetics (formerly Invitae), Labcorp
Classification: Uncertain significance for Nephronophthisis. Last evaluated: 2022-02-08. Review status: criteria provided, single submitter. Criteria: Invitae Variant Classification Sherloc (09022015). Collection method: clinical testing. Allele origin: germline.
Comment: This variant is not present in population databases (gnomAD no frequency). This sequence change replaces isoleucine, which is neutral and non-polar, with leucine, which is neutral and non-polar, at codon 441 of the INVS protein (p.Ile441Leu). This variant has not been reported in the literature in individuals affected with INVS-related conditions. In summary, the available evidence is currently insufficient to determine the role of this variant in disease. Therefore, it has been classified as a Variant of Uncertain Significance. Algorithms developed to predict the effect of missense changes on protein structure and function are either unavailable or do not agree on the potential impact of this missense change (SIFT: "Deleterious"; PolyPhen-2: "Benign"; Align-GVGD: "Class C0"). ClinVar contains an entry for this variant (Variation ID: 1010629).